The following is an entry in ClinVar:

NM_001330078.2(NRXN1):c.3244+231G>T

Gene: NRXN1 (neurexin 1; minus strand). Cytogenetic location: 2p16.3.
Variant type: single nucleotide variant.
Coding change: c.3244+231G>T on transcript NM_001330078.2 (MANE Select); 231 bases into the intron after coding-DNA position 3244, G replaced by T.
Molecular consequence: intron variant.
Genome position (GRCh38, 1-based): chr2:50,472,067, C>A on the plus strand (G>T on the coding strand, the complement: NRXN1 is on the minus strand). VCF-style: chr2-50472067-C-A. GRCh37 (hg19) VCF-style: chr2-50699205-C-A.
Other names: c.3133+231G>T (NM_001330096.2, NM_001330087.2); c.3178+231G>T (NM_001330083.2, NM_001330084.2); c.3163+231G>T (NM_001330088.2); c.3241+231G>T (NM_001330093.2); c.3232+231G>T (NM_001330094.2); c.3193+231G>T (NM_001330095.2); c.3220+231G>T (NM_001330082.2, NM_001330077.2); c.3217+231G>T (NM_001330085.2); and 2 more.
Identifiers: ClinVar variation 667708 (VCV000667708.1), dbSNP rs59300829, ClinGen allele CA16097641.

ClinVar aggregate classification (germline): Benign (1 of 4 stars; one submission).

Allele frequency attached by ClinVar (database versions not stated): 1000 Genomes Project 30x 0.52405; 1000 Genomes Project 0.52696; TOPMed 0.55086; gnomAD 0.55774 and 0.56132.
gnomAD v4.1: 84,432 of 150,990 alleles (56%); highest among the groups gnomAD compares: African/African-American, 61%; 23,968 homozygotes.

Submission:

GeneDx
Classification: Benign. Last evaluated: 2018-06-14. Review status: criteria provided, single submitter. Criteria: GeneDx Variant Classification (06012015). Collection method: clinical testing. Allele origin: germline. Affected: yes.
Comment: This variant is considered likely benign or benign based on one or more of the following criteria: it is a conservative change, it occurs at a poorly conserved position in the protein, it is predicted to be benign by multiple in silico algorithms, and/or has population frequency not consistent with disease.